The following is an entry in ClinVar:

NM_032656.4(DHX37):c.3106C>T (p.Arg1036Trp)

Gene: DHX37 (DEAH-box helicase 37; minus strand). Cytogenetic location: 12q24.31.
Variant type: single nucleotide variant.
Coding change: c.3106C>T on transcript NM_032656.4 (MANE Select); coding-DNA position 3106, C replaced by T.
Protein change: p.Arg1036Trp; replaces arginine 1036 with tryptophan.
Molecular consequence: missense variant.
Genome position (GRCh38, 1-based): chr12:124,950,428, G>A on the plus strand (C>T on the coding strand, the complement: DHX37 is on the minus strand). VCF-style: chr12-124950428-G-A. GRCh37 (hg19) VCF-style: chr12-125434974-G-A.
Other names: short protein forms R1036W.
Identifiers: ClinVar variation 4760554 (VCV004760554.1).

ClinVar aggregate classification (germline): Uncertain significance (1 of 4 stars; one submission).

gnomAD v4.1: 15 of 1,598,206 alleles (0.00094%); highest among the groups gnomAD compares: Non-Finnish European, 0.0012%; no homozygotes.

Submission:

Labcorp Genetics (formerly Invitae), Labcorp
Classification: Uncertain significance. Last evaluated: 2025-04-20. Review status: criteria provided, single submitter. Criteria: Invitae Variant Classification Sherloc (09022015). Collection method: clinical testing. Allele origin: germline.
Comment: This sequence change replaces arginine, which is basic and polar, with tryptophan, which is neutral and slightly polar, at codon 1036 of the DHX37 protein (p.Arg1036Trp). The frequency data for this variant in the population databases is considered unreliable, as metrics indicate poor data quality at this position in the gnomAD database. This variant has not been reported in the literature in individuals affected with DHX37-related conditions. Invitae Evidence Modeling of protein sequence and biophysical properties (such as structural, functional, and spatial information, amino acid conservation, physicochemical variation, residue mobility, and thermodynamic stability) indicates that this missense variant is expected to disrupt DHX37 protein function with a positive predictive value of 80%. In summary, the available evidence is currently insufficient to determine the role of this variant in disease. Therefore, it has been classified as a Variant of Uncertain Significance.